The following is an entry in ClinVar:

NM_001101.5(ACTB):c.-50G>C

Gene: ACTB (actin beta; minus strand). Cytogenetic location: 7p22.1.
Variant type: single nucleotide variant.
Coding change: c.-50G>C on transcript NM_001101.5 (MANE Select); 50 bases upstream of the start codon, G replaced by C.
Molecular consequence: 5 prime UTR variant.
Genome position (GRCh38, 1-based): chr7:5,530,567, C>G on the plus strand (G>C on the coding strand, the complement: ACTB is on the minus strand). VCF-style: chr7-5530567-C-G. GRCh37 (hg19) VCF-style: chr7-5570198-C-G.
Other names: c.-50G>C (LRG_132t1).
Identifiers: ClinVar variation 387631 (VCV000387631.1), dbSNP rs1039646624, ClinGen allele CA16605820.
Genomic context (GRCh38, chr7:5,530,567, plus strand): 5'-CGGCTGGCCGGGCTTACCTGGCGGCGGGTGTGGACGGGCGGCGGATCGGCAAAGGCGAGG[C>G]TCTGTGCTCGCGGGGCGGACGCGGTCTCGGCGGTGGTGGCGCGTCGCGCCGCTGGGTTTT-3'

ClinVar aggregate classification (germline): Benign (1 of 4 stars; one submission).

Allele frequency attached by ClinVar (database versions not stated): 1000 Genomes Project 30x 0.00016; TOPMed 0.00038.
gnomAD v4.1: 46 of 152,468 alleles (0.03%); highest among the groups gnomAD compares: African/African-American, 0.094%; no homozygotes.

Submission:

GeneDx
Classification: Benign. Last evaluated: 2018-05-23. Review status: criteria provided, single submitter. Criteria: GeneDx Variant Classification (06012015). Collection method: clinical testing. Allele origin: germline. Affected: yes.
Comment: This variant is considered likely benign or benign based on one or more of the following criteria: it is a conservative change, it occurs at a poorly conserved position in the protein, it is predicted to be benign by multiple in silico algorithms, and/or has population frequency not consistent with disease.